The following is an entry in ClinVar:

ClinVar aggregate classification (germline): Pathogenic (1 of 4 stars; one submission).

Submission:

CeGaT Center for Human Genetics Tuebingen
Classification: Pathogenic. Last evaluated: 2026-04-01. Review status: criteria provided, single submitter. Criteria: CeGaT Center For Human Genetics Tuebingen Variant Classification Criteria Version 2. Collection method: clinical testing. Allele origin: germline. Affected: yes. Observed: 1 variant allele.
Comment: SUZ12: PVS1, PM2

NM_015355.4(SUZ12):c.570delinsTTT (p.Lys190fs)

Gene: SUZ12 (SUZ12 polycomb repressive complex 2 subunit; plus strand). Cytogenetic location: 17q11.2.
Variant type: Indel.
Coding change: c.570delinsTTT on transcript NM_015355.4 (MANE Select); coding-DNA position 570, A replaced by TTT.
Protein change: p.Lys190fs; shifts the reading frame from lysine 190.
Molecular consequence: frameshift variant.
Genome position (GRCh38, 1-based): chr17:31,973,210, A replaced by TTT. VCF-style: chr17-31973210-A-TTT. GRCh37 (hg19) VCF-style: chr17-30300229-A-TTT.
Other names: c.501delinsTTT, p.Lys167fs (NM_001321207.2); short protein forms K167fs, K190fs.
Identifiers: ClinVar variation 4875460 (VCV004875460.2).